The following is an entry in ClinVar:

NM_004999.4(MYO6):c.2039T>C (p.Phe680Ser)

Gene: MYO6 (myosin VI; plus strand). Cytogenetic location: 6q14.1.
Variant type: single nucleotide variant.
Coding change: c.2039T>C on transcript NM_004999.4 (MANE Select); coding-DNA position 2039, T replaced by C.
Protein change: p.Phe680Ser; replaces phenylalanine 680 with serine.
Molecular consequence: missense variant. On other transcripts: non-coding transcript variant (1).
Genome position (GRCh38, 1-based): chr6:75,873,262, T>C. VCF-style: chr6-75873262-T-C. GRCh37 (hg19) VCF-style: chr6-76582979-T-C.
Other names: p.Phe680Ser; c.2039T>C, p.Phe680Ser (NM_001300899.2, NM_001368136.1, NM_001368137.1 and 2 more transcripts); c.2024T>C, p.Phe675Ser (NM_001368138.1); short protein forms F675S, F680S.
Identifiers: ClinVar variation 1064948 (VCV001064948.8), dbSNP rs372399868, ClinGen allele CA3897282.
Genomic context (GRCh38, chr6:75,873,262, plus strand): 5'-CCTAGGGAGCAAGCTTTATTCGTTGCATCAAACCTAACTTAAAGATGACAAGCCACCACT[T>C]TGAAGGTGCTCAAATTCTGTCTCAGCTTCAGTGTTCAGGTATTTTCATAATCTCTGTCAG-3'
Protein context (NP_004990.3, residues 670-690): KPNLKMTSHH[Phe680Ser]EGAQILSQLQ

ClinVar aggregate classification (germline): Uncertain significance. Review status: criteria provided, multiple submitters, no conflicts (2 of 4 stars). 6 submissions from 6 submitters: Uncertain significance (6). Last evaluated 2024-11-14.

Conditions:
Hearing impairment. Also called: Impaired Hearing. Identifiers: MedGen C1384666, MONDO:0005365, HP:0000365.
Autosomal recessive nonsyndromic hearing loss 37. Identifiers: Orphanet 90636, MedGen C1843028, MONDO:0011912, OMIM 607821.
Autosomal dominant nonsyndromic hearing loss 22. Also called: DFNA 22; Autosomal dominant nonsyndromic deafness 22. Identifiers: Orphanet 228012, MedGen C2931767, MONDO:0011660, OMIM 606346.

Allele frequency attached by ClinVar (database versions not stated): gnomAD 0.00003; gnomAD exomes 0.00003 and 0.00004; TOPMed 0.00003; ExAC 0.00005; ESP Exome Variant Server 0.00008.
gnomAD v4.1: 58 of 1,613,934 alleles (0.0036%); highest among the groups gnomAD compares: Non-Finnish European, 0.0042%; no homozygotes.

Submissions (6):

Blueprint Genetics
Classification: Uncertain significance. Last evaluated: 2024-11-14. Review status: criteria provided, single submitter. Criteria: ACMG Guidelines, 2015. Collection method: clinical testing. Allele origin: germline.

Labcorp Genetics (formerly Invitae), Labcorp
Classification: Uncertain significance. Last evaluated: 2024-09-04. Review status: criteria provided, single submitter. Criteria: Invitae Variant Classification Sherloc (09022015). Collection method: clinical testing. Allele origin: germline.
Comment: This sequence change replaces phenylalanine, which is neutral and non-polar, with serine, which is neutral and polar, at codon 680 of the MYO6 protein (p.Phe680Ser). This variant is present in population databases (rs372399868, gnomAD 0.01%). This variant has not been reported in the literature in individuals affected with MYO6-related conditions. ClinVar contains an entry for this variant (Variation ID: 1064948). Invitae Evidence Modeling of protein sequence and biophysical properties (such as structural, functional, and spatial information, amino acid conservation, physicochemical variation, residue mobility, and thermodynamic stability) has been performed for this missense variant. However, the output from this modeling did not meet the statistical confidence thresholds required to predict the impact of this variant on MYO6 protein function. In summary, the available evidence is currently insufficient to determine the role of this variant in disease. Therefore, it has been classified as a Variant of Uncertain Significance.

Mayo Clinic Laboratories, Mayo Clinic
Classification: Uncertain significance. Last evaluated: 2022-03-23. Review status: criteria provided, single submitter. Criteria: ACMG Guidelines, 2015. Collection method: clinical testing. Allele origin: germline. Observed: 1 variant allele.
Comment: PP3

Fulgent Genetics
Classification: Uncertain significance for Autosomal dominant nonsyndromic hearing loss 22; Autosomal recessive nonsyndromic hearing loss 37. Last evaluated: 2021-11-01. Review status: criteria provided, single submitter. Criteria: ACMG Guidelines, 2015. Collection method: clinical testing. Allele origin: unknown.

Department of Otolaryngology – Head & Neck Surgery, Cochlear Implant Center
Classification: Uncertain significance for Hearing impairment. Last evaluated: 2021-04-12. Review status: criteria provided, single submitter. Criteria: ClinGen HL ACMG Specifications v1. Collection method: clinical testing. Allele origin: germline. Affected: yes.
Comment: PM2_Moderate, PP3_Supporting, BP5_Supporting

Breakthrough Genomics
Classification: Uncertain significance. Review status: criteria provided, single submitter. Criteria: ACMG Guidelines, 2015. Collection method: not provided. Allele origin: germline. Inheritance: Autosomal recessive inheritance. Affected: yes.